The following is an entry in ClinVar:

ClinVar aggregate classification (germline): Uncertain significance. Review status: criteria provided, multiple submitters, no conflicts (2 of 4 stars). 3 submissions from 3 submitters: Uncertain significance (3). Last evaluated 2025-09-23.

Allele frequency attached by ClinVar (database versions not stated): TOPMed 0.00009; ESP Exome Variant Server 0.00023; 1000 Genomes Project 30x 0.00031; gnomAD 0.00019; ExAC 0.00018; gnomAD exomes 0.00018; 1000 Genomes Project 0.00020.
gnomAD v4.1: 281 of 1,614,078 alleles (0.017%); highest among the groups gnomAD compares: Non-Finnish European, 0.016%; no homozygotes.

Submissions (3):

Mayo Clinic Laboratories, Mayo Clinic
Classification: Uncertain significance. Last evaluated: 2025-09-23. Review status: criteria provided, single submitter. Criteria: ACMG Guidelines, 2015. Collection method: clinical testing. Allele origin: germline. Observed: 1 variant allele.
Comment: PP3

GeneDx
Classification: Uncertain significance. Last evaluated: 2025-02-21. Review status: criteria provided, single submitter. Criteria: GeneDx Variant Classification Process June 2021. Collection method: clinical testing. Allele origin: germline. Affected: yes.
Comment: In silico analysis supports that this missense variant has a deleterious effect on protein structure/function; Has not been previously published as pathogenic or benign to our knowledge

Labcorp Genetics (formerly Invitae), Labcorp
Classification: Uncertain significance. Last evaluated: 2024-10-24. Review status: criteria provided, single submitter. Criteria: Invitae Variant Classification Sherloc (09022015). Collection method: clinical testing. Allele origin: germline.
Comment: This sequence change replaces arginine, which is basic and polar, with cysteine, which is neutral and slightly polar, at codon 164 of the GFM1 protein (p.Arg164Cys). This variant is present in population databases (rs182569165, gnomAD 0.1%). This variant has not been reported in the literature in individuals affected with GFM1-related conditions. ClinVar contains an entry for this variant (Variation ID: 2138370). Invitae Evidence Modeling of protein sequence and biophysical properties (such as structural, functional, and spatial information, amino acid conservation, physicochemical variation, residue mobility, and thermodynamic stability) has been performed for this missense variant. However, the output from this modeling did not meet the statistical confidence thresholds required to predict the impact of this variant on GFM1 protein function. In summary, the available evidence is currently insufficient to determine the role of this variant in disease. Therefore, it has been classified as a Variant of Uncertain Significance.

NM_024996.7(GFM1):c.490C>T (p.Arg164Cys)

Gene: GFM1 (G elongation factor mitochondrial 1; plus strand). Cytogenetic location: 3q25.32.
Variant type: single nucleotide variant.
Coding change: c.490C>T on transcript NM_024996.7 (MANE Select); coding-DNA position 490, C replaced by T.
Protein change: p.Arg164Cys; replaces arginine 164 with cysteine.
Molecular consequence: missense variant. On other transcripts: non-coding transcript variant (3), intron variant (4).
Genome position (GRCh38, 1-based): chr3:158,646,865, C>T. VCF-style: chr3-158646865-C-T. GRCh37 (hg19) VCF-style: chr3-158364654-C-T.
Other names: p.Arg164Cys; c.490C>T (NM_024996.5); c.490C>T, p.Arg164Cys (NM_001308164.2, NM_001308166.2, NM_001374355.1 and 1 more transcripts); c.265C>T, p.Arg89Cys (NM_001374357.1); c.5+1084C>T (NM_001374359.1, NM_001374360.1, NM_001374361.1); c.234+1084C>T (NM_001374358.1); short protein forms R164C, R89C.
Identifiers: ClinVar variation 2138370 (VCV002138370.4), dbSNP rs182569165, ClinGen allele CA2682343.